The following is an entry in ClinVar:

ClinVar aggregate classification (germline): Uncertain significance (1 of 4 stars; one submission).

Conditions:
Cardiovascular phenotype. Identifiers: MedGen CN230736.

gnomAD v4.1: 2 of 1,576,580 alleles (0.00013%); highest among the groups gnomAD compares: Non-Finnish European, 0.00017%; no homozygotes.

Submission:

Ambry Genetics
Classification: Uncertain significance for Cardiovascular phenotype. Last evaluated: 2025-03-23. Review status: criteria provided, single submitter. Criteria: Ambry Variant Classification Scheme 2023. Collection method: clinical testing. Allele origin: germline.
Comment: The p.P30L variant (also known as c.89C>T), located in coding exon 1 of the LMF1 gene, results from a C to T substitution at nucleotide position 89. The proline at codon 30 is replaced by leucine, an amino acid with similar properties. This amino acid position is conserved. In addition, this alteration is predicted to be tolerated by in silico analysis. Based on the available evidence, the clinical significance of this variant remains unclear.

NM_022773.4(LMF1):c.89C>T (p.Pro30Leu)

Genes: LMF1 (lipase maturation factor 1; minus strand), LOC130058141 (ATAC-STARR-seq lymphoblastoid silent region 6962; plus strand). Cytogenetic location: 16p13.3.
Variant type: single nucleotide variant.
Coding change: c.89C>T on transcript NM_022773.4 (MANE Select); coding-DNA position 89, C replaced by T.
Protein change: p.Pro30Leu; replaces proline 30 with leucine.
Molecular consequence: missense variant. On other transcripts: 5 prime UTR variant (1), non-coding transcript variant (1), intron variant (3).
Genome position (GRCh38, 1-based): chr16:970,892, G>A on the plus strand (C>T on the coding strand, the complement: LMF1 is on the minus strand). VCF-style: chr16-970892-G-A. GRCh37 (hg19) VCF-style: chr16-1020892-G-A.
Other names: c.89C>T, p.Pro30Leu (NM_001352020.1); c.-617C>T (NM_001352021.2); c.-135+10253C>T (NM_001352019.2); c.-611+10253C>T (NM_001352017.2); c.-362+10253C>T (NM_001352018.2); short protein forms P30L.
Identifiers: ClinVar variation 4047688 (VCV004047688.1).